The following is an entry in ClinVar:

NM_000245.4(MET):c.1625A>G (p.His542Arg)

Gene: MET (MET proto-oncogene, receptor tyrosine kinase; plus strand). Cytogenetic location: 7q31.2.
Variant type: single nucleotide variant.
Coding change: c.1625A>G on transcript NM_000245.4 (MANE Select); coding-DNA position 1625, A replaced by G.
Protein change: p.His542Arg; replaces histidine 542 with arginine.
Molecular consequence: missense variant.
Genome position (GRCh38, 1-based): chr7:116,740,949, A>G. VCF-style: chr7-116740949-A-G. GRCh37 (hg19) VCF-style: chr7-116381003-A-G.
Other names: c.1625A>G, p.His542Arg (NM_001127500.3, NM_001324401.3); c.335A>G, p.His112Arg (NM_001324402.2); short protein forms H112R, H542R.
Identifiers: ClinVar variation 2579855 (VCV002579855.7), dbSNP rs775183859, ClinGen allele CA4448211.

ClinVar aggregate classification (germline): Uncertain significance. Review status: criteria provided, multiple submitters, no conflicts (2 of 4 stars). 3 submissions from 3 submitters: Uncertain significance (3). Last evaluated 2025-08-09.

Conditions:
Renal cell carcinoma. Identifiers: Orphanet 217071, MedGen C0007134, MeSH D002292, MONDO:0005086, HP:0005584.
Hereditary cancer-predisposing syndrome. Also called: Tumor predisposition; Hereditary neoplastic syndrome; Neoplastic Syndromes, Hereditary; Hereditary Cancer Syndrome. Identifiers: Orphanet 140162, MedGen C0027672, MeSH D009386, MONDO:0015356.

Allele frequency attached by ClinVar (database versions not stated): gnomAD exomes below 0.00001; ExAC 0.00001; gnomAD 0.00001; TOPMed 0.00001.
gnomAD v4.1: 3 of 1,613,962 alleles (0.00019%); highest among the groups gnomAD compares: African/African-American, 0.0027%; no homozygotes.

Submissions (3):

Ambry Genetics
Classification: Uncertain significance for Hereditary cancer-predisposing syndrome. Last evaluated: 2025-08-09. Review status: criteria provided, single submitter. Criteria: Ambry Variant Classification Scheme 2023. Collection method: clinical testing. Allele origin: germline.
Comment: The p.H542R variant (also known as c.1625A>G), located in coding exon 4 of the MET gene, results from an A to G substitution at nucleotide position 1625. The histidine at codon 542 is replaced by arginine, an amino acid with highly similar properties. This amino acid position is not well conserved in available vertebrate species. In addition, this alteration is predicted to be tolerated by in silico analysis. Since supporting evidence is limited at this time, the clinical significance of this alteration remains unclear.

Labcorp Genetics (formerly Invitae), Labcorp
Classification: Uncertain significance for Renal cell carcinoma. Last evaluated: 2024-11-04. Review status: criteria provided, single submitter. Criteria: Invitae Variant Classification Sherloc (09022015). Collection method: clinical testing. Allele origin: germline.
Comment: This sequence change replaces histidine, which is basic and polar, with arginine, which is basic and polar, at codon 542 of the MET protein (p.His542Arg). This variant is present in population databases (rs775183859, gnomAD 0.007%). This variant has not been reported in the literature in individuals affected with MET-related conditions. ClinVar contains an entry for this variant (Variation ID: 2579855). Invitae Evidence Modeling of protein sequence and biophysical properties (such as structural, functional, and spatial information, amino acid conservation, physicochemical variation, residue mobility, and thermodynamic stability) indicates that this missense variant is not expected to disrupt MET protein function with a negative predictive value of 80%. In summary, the available evidence is currently insufficient to determine the role of this variant in disease. Therefore, it has been classified as a Variant of Uncertain Significance.

GeneDx
Classification: Uncertain significance. Last evaluated: 2023-03-14. Review status: criteria provided, single submitter. Criteria: GeneDx Variant Classification Process June 2021. Collection method: clinical testing. Allele origin: germline. Affected: yes.
Comment: Not observed at significant frequency in large population cohorts (gnomAD); In silico analysis supports that this missense variant does not alter protein structure/function; Has not been previously published as pathogenic or benign to our knowledge